The following is an entry in ClinVar:

ClinVar aggregate classification (somatic clinical impact): Tier I - Strong (1 of 4 stars; one submission).
ClinVar aggregate classification (oncogenicity): Oncogenic (1 of 4 stars; one submission).

Conditions:
Acral lentiginous melanoma. Also called: Subungual melanoma; Palmar/plantar melanoma; Acral lentiginous melanoma (disease). Identifiers: MedGen C0346037, MONDO:0003865, HP:0012060.
Neoplasm. Also called: Neoplasms; Neoplasm (disease); tumor. Identifiers: MedGen C0027651, MeSH D009369, MONDO:0005070, HP:0002664.

Allele frequency attached by ClinVar (database versions not stated): gnomAD exomes below 0.00001; ExAC 0.00002.

Submissions (2):

Institute for Genomic Medicine (IGM) Clinical Laboratory, Nationwide Children's Hospital
Classification: Tier I - Strong for Acral lentiginous melanoma. Assertion type: diagnostic. Clinical significance: supports diagnosis. Last evaluated: 2025-07-07. Review status: criteria provided, single submitter. Criteria: AMP/ASCO/CAP Guidelines, 2017. Collection method: clinical testing. Allele origin: somatic. Affected: yes.
Comment: Variant has Tier I (strong) clinical significance as a diagnostic inclusion criterion in acral lentiginous melanoma, based on the following evidence: 1) Documented in one or more cancer databases (e.g., St. Jude Pecan, COSMIC, CIViC, OncoKB). 2) Appears in one or more well-established professional guidelines (e.g., World Health Organization [WHO]; National Comprehensive Cancer Network [NCCN]) as providing diagnostic, prognostic, or therapeutic information. 3) Information in the literature supports potential biologic effect of variant (PMIDs: 26565915, 23861464, 24434863). 4) Diagnostic for a specific tumor type/classification based on well-powered studies with expert-level consensus (Evidence Level B; PMIDs: 28467829, 23861464, 24434863, 23313955, 26769193, 34102999, 31655118).

Center for Genomic Medicine, Rigshospitalet, Copenhagen University Hospital
Classification: Oncogenic for Neoplasm. Last evaluated: 2025-03-04. Review status: criteria provided, single submitter. Criteria: ClinGen/CGC/VICC Guidelines for Oncogenicity, 2022. Collection method: clinical testing. Allele origin: somatic. Affected: yes.

Literature cited by the submitters: PubMed 26565915 (cited by Institute for Genomic Medicine (IGM) Clinical Laboratory, Nationwide Children's Hospital); PubMed 23861464 (cited by Institute for Genomic Medicine (IGM) Clinical Laboratory, Nationwide Children's Hospital); PubMed 24434863 (cited by Institute for Genomic Medicine (IGM) Clinical Laboratory, Nationwide Children's Hospital); PubMed 28467829 (cited by Institute for Genomic Medicine (IGM) Clinical Laboratory, Nationwide Children's Hospital); PubMed 23313955 (cited by Institute for Genomic Medicine (IGM) Clinical Laboratory, Nationwide Children's Hospital); PubMed 26769193 (cited by Institute for Genomic Medicine (IGM) Clinical Laboratory, Nationwide Children's Hospital); PubMed 34102999 (cited by Institute for Genomic Medicine (IGM) Clinical Laboratory, Nationwide Children's Hospital); PubMed 31655118 (cited by Institute for Genomic Medicine (IGM) Clinical Laboratory, Nationwide Children's Hospital); PubMed 31474574 (cited by Center for Genomic Medicine, Rigshospitalet, Copenhagen University Hospital).

NM_012433.4(SF3B1):c.1873C>T (p.Arg625Cys)

Gene: SF3B1 (splicing factor 3b subunit 1; minus strand). Cytogenetic location: 2q33.1.
Variant type: single nucleotide variant.
Coding change: c.1873C>T on transcript NM_012433.4 (MANE Select); coding-DNA position 1873, C replaced by T.
Protein change: p.Arg625Cys; replaces arginine 625 with cysteine.
Molecular consequence: missense variant.
Genome position (GRCh38, 1-based): chr2:197,402,760, G>A on the plus strand (C>T on the coding strand, the complement: SF3B1 is on the minus strand). VCF-style: chr2-197402760-G-A. GRCh37 (hg19) VCF-style: chr2-198267484-G-A.
Other names: short protein forms R625C.
Identifiers: ClinVar variation 3764943 (VCV003764943.2), dbSNP rs775623976.